The following is an entry in ClinVar:

NM_001130987.2(DYSF):c.3927+1G>A

Gene: DYSF (dysferlin; plus strand). Cytogenetic location: 2p13.2.
Variant type: single nucleotide variant.
Coding change: c.3927+1G>A on transcript NM_001130987.2 (MANE Select); the canonical splice donor site of the intron after coding-DNA position 3927, G replaced by A.
Molecular consequence: splice donor variant.
Genome position (GRCh38, 1-based): chr2:71,601,529, G>A. VCF-style: chr2-71601529-G-A. GRCh37 (hg19) VCF-style: chr2-71828659-G-A.
Other names: c.3966+1G>A (NM_001130979.2); c.3924+1G>A (NM_001130981.2, NM_001130980.2); c.3873+1G>A (NM_001130978.2, NM_003494.4, NM_003494.3); c.3831+1G>A (NM_001130977.2, NM_001130976.2); c.3969+1G>A (NM_001130982.2); c.3927+1G>A (NM_001130985.2); c.3876+1G>A (NM_001130983.2, NM_001130455.2); c.3834+1G>A (NM_001130984.2, NM_001130986.2).
Identifiers: ClinVar variation 3729499 (VCV003729499.3).

ClinVar aggregate classification (germline): Likely pathogenic. Review status: criteria provided, multiple submitters, no conflicts (2 of 4 stars). 2 submissions from 2 submitters: Likely pathogenic (2). Last evaluated 2025-01-27.

Conditions:
Neuromuscular disease caused by qualitative or quantitative defects of dysferlin. Also called: Dysferlinopathy; Qualitative or quantitative defects of dysferlin. Identifiers: Orphanet 207073, MedGen C2931687, MONDO:0016145.
DYSF-related disorder. Also called: DYSF-related condition; DYSF-related disorders.

gnomAD v4.1: 1 of 1,614,156 alleles (0.000062%); highest among the groups gnomAD compares: Non-Finnish European, 0.000085%; no homozygotes.

Submissions (2):

PreventionGenetics, part of Exact Sciences
Classification: Likely pathogenic for DYSF-related condition. Last evaluated: 2025-01-27. Review status: criteria provided, single submitter. Criteria: ACMG Guidelines, 2015. Collection method: clinical testing. Allele origin: germline.
Comment: The DYSF c.3873+1G>A variant is predicted to disrupt the GT donor site and interfere with normal splicing. To our knowledge, this variant has not been reported in the literature or in a large population database (gnomAD), indicating this variant is rare. Variants that disrupt the consensus splice donor site in DYSF are expected to be pathogenic. This variant is interpreted as likely pathogenic.

Labcorp Genetics (formerly Invitae), Labcorp
Classification: Likely pathogenic for Neuromuscular disease caused by qualitative or quantitative defects of dysferlin. Last evaluated: 2025-01-23. Review status: criteria provided, single submitter. Criteria: Invitae Variant Classification Sherloc (09022015). Collection method: clinical testing. Allele origin: germline.
Comment: This sequence change affects a donor splice site in intron 35 of the DYSF gene. It is expected to disrupt RNA splicing. Variants that disrupt the donor or acceptor splice site typically lead to a loss of protein function (PMID: 16199547), and loss-of-function variants in DYSF are known to be pathogenic (PMID: 17698709, 20301480). This variant is not present in population databases (gnomAD no frequency). This variant has not been reported in the literature in individuals affected with DYSF-related conditions. Algorithms developed to predict the effect of sequence changes on RNA splicing suggest that this variant may disrupt the consensus splice site. In summary, the currently available evidence indicates that the variant is pathogenic, but additional data are needed to prove that conclusively. Therefore, this variant has been classified as Likely Pathogenic.

Literature cited by the submitters: PubMed 16199547 (cited by Labcorp Genetics (formerly Invitae), Labcorp); PubMed 17698709 (cited by Labcorp Genetics (formerly Invitae), Labcorp); PubMed 20301480 (cited by Labcorp Genetics (formerly Invitae), Labcorp).